The following is an entry in ClinVar:

ClinVar aggregate classification (germline): Uncertain significance (1 of 4 stars; one submission).

Conditions:
Pityriasis rubra pilaris (PRP). Also called: Pityriasis rubra pilaris--familial type. Identifiers: Orphanet 2897, MedGen C0032027, MONDO:0100017, OMIM 173200, MONDO:0008251.
Psoriasis 2. Identifiers: MedGen C1864497, MONDO:0011269, OMIM 602723.

Allele frequency attached by ClinVar (database versions not stated): gnomAD 0.00001; gnomAD exomes 0.00002; ExAC 0.00003; ESP Exome Variant Server 0.00008.
gnomAD v4.1: 24 of 1,592,906 alleles (0.0015%); highest among the groups gnomAD compares: East Asian, 0.0047%; no homozygotes.

Submission:

Labcorp Genetics (formerly Invitae), Labcorp
Classification: Uncertain significance for Pityriasis rubra pilaris; Psoriasis 2. Last evaluated: 2024-11-04. Review status: criteria provided, single submitter. Criteria: Invitae Variant Classification Sherloc (09022015). Collection method: clinical testing. Allele origin: germline.
Comment: This sequence change replaces glutamic acid, which is acidic and polar, with lysine, which is basic and polar, at codon 316 of the CARD14 protein (p.Glu316Lys). This variant is present in population databases (rs374933789, gnomAD 0.01%). This variant has not been reported in the literature in individuals affected with CARD14-related conditions. ClinVar contains an entry for this variant (Variation ID: 650251). Invitae Evidence Modeling of protein sequence and biophysical properties (such as structural, functional, and spatial information, amino acid conservation, physicochemical variation, residue mobility, and thermodynamic stability) has been performed for this missense variant. However, the output from this modeling did not meet the statistical confidence thresholds required to predict the impact of this variant on CARD14 protein function. In summary, the available evidence is currently insufficient to determine the role of this variant in disease. Therefore, it has been classified as a Variant of Uncertain Significance.

NM_001366385.1(CARD14):c.946G>A (p.Glu316Lys)

Gene: CARD14 (caspase recruitment domain family member 14; plus strand). Cytogenetic location: 17q25.3.
Variant type: single nucleotide variant.
Coding change: c.946G>A on transcript NM_001366385.1 (MANE Select); coding-DNA position 946, G replaced by A.
Protein change: p.Glu316Lys; replaces glutamic acid 316 with lysine.
Molecular consequence: missense variant. On other transcripts: non-coding transcript variant (1).
Genome position (GRCh38, 1-based): chr17:80,189,855, G>A. VCF-style: chr17-80189855-G-A. GRCh37 (hg19) VCF-style: chr17-78163654-G-A.
Other names: c.946G>A, p.Glu316Lys (NM_024110.4, NM_001257970.1); c.235G>A, p.Glu79Lys (NM_052819.3); short protein forms E79K, E316K.
Identifiers: ClinVar variation 650251 (VCV000650251.9), dbSNP rs374933789, ClinGen allele CA8816586.